The following is an entry in ClinVar:

ClinVar aggregate classification (germline): Uncertain significance. Review status: criteria provided, multiple submitters, no conflicts (2 of 4 stars). 2 submissions from 2 submitters: Uncertain significance (2). Last evaluated 2022-11-25.

Conditions:
Hereditary cancer-predisposing syndrome. Also called: Tumor predisposition; Hereditary neoplastic syndrome; Neoplastic Syndromes, Hereditary; Hereditary Cancer Syndrome. Identifiers: Orphanet 140162, MedGen C0027672, MeSH D009386, MONDO:0015356.
Pheochromocytoma/paraganglioma syndrome 5. Also called: Paragangliomas 5; SDHA-Related Hereditary Paraganglioma-Pheochromocytoma Syndrome. Identifiers: Orphanet 29072, MedGen C3279992, MONDO:0013602, OMIM 614165.
Mitochondrial complex II deficiency, nuclear type 1. Also called: SUCCINATE CoQ REDUCTASE DEFICIENCY. Identifiers: Orphanet 3208, MedGen C5700310, MONDO:0100294, OMIM 252011.

Submissions (2):

Labcorp Genetics (formerly Invitae), Labcorp
Classification: Uncertain significance for Pheochromocytoma/paraganglioma syndrome 5; Mitochondrial complex II deficiency, nuclear type 1. Last evaluated: 2022-11-25. Review status: criteria provided, single submitter. Criteria: Invitae Variant Classification Sherloc (09022015). Collection method: clinical testing. Allele origin: germline.
Comment: This variant has not been reported in the literature in individuals affected with SDHA-related conditions. ClinVar contains an entry for this variant (Variation ID: 840854). Algorithms developed to predict the effect of missense changes on protein structure and function (SIFT, PolyPhen-2, Align-GVGD) all suggest that this variant is likely to be disruptive. In summary, the available evidence is currently insufficient to determine the role of this variant in disease. Therefore, it has been classified as a Variant of Uncertain Significance. This variant is not present in population databases (gnomAD no frequency). This sequence change replaces aspartic acid, which is acidic and polar, with histidine, which is basic and polar, at codon 459 of the SDHA protein (p.Asp459His).

Sema4
Classification: Uncertain significance for Hereditary cancer-predisposing syndrome. Last evaluated: 2021-11-02. Review status: criteria provided, single submitter. Criteria: Sema4 Curation Guidelines. Collection method: curation. Allele origin: germline.
Comment: The SDHA c.1375G>C (p.D459H) variant has not been reported in the literature to our knowledge. It was not observed in the large and broad cohorts of the Genome Aggregation Database (PMID: 32461654), but has been reported in ClinVar (Variation ID 840854). In silico tools suggest the impact of the variant on protein function is deleterious, though these predictions have not been confirmed by functional studies. The evidence is insufficient to meet ACMG/AMP criteria for classifying the variant as benign or pathogenic. Thus, the clinical significance of this variant is currently uncertain.

NM_004168.4(SDHA):c.1375G>C (p.Asp459His)

Gene: SDHA (succinate dehydrogenase complex flavoprotein subunit A; plus strand). Cytogenetic location: 5p15.33.
Variant type: single nucleotide variant.
Coding change: c.1375G>C on transcript NM_004168.4 (MANE Select); coding-DNA position 1375, G replaced by C.
Protein change: p.Asp459His; replaces aspartic acid 459 with histidine.
Molecular consequence: missense variant.
Genome position (GRCh38, 1-based): chr5:236,542, G>C. VCF-style: chr5-236542-G-C. GRCh37 (hg19) VCF-style: chr5-236657-G-C.
Other names: c.1231G>C, p.Asp411His (NM_001294332.2); c.1375G>C, p.Asp459His (NM_001330758.2); short protein forms D411H, D459H.
Identifiers: ClinVar variation 840854 (VCV000840854.11), dbSNP rs1735797208, ClinGen allele CA359014029.
Genomic context (GRCh38, chr5:236,542, plus strand): 5'-GGGGAGGCCGCCTGTGCCTCGGTACATGGTGCCAACCGCCTCGGGGCAAACTCGCTCTTG[G>C]ACCTGGTTGTCTTTGGTCGGGCATGTGCCCTGAGCATCGAAGAGTCATGCAGGCCTGGTA-3'
Protein context (NP_004159.2, residues 449-469): ANRLGANSLL[Asp459His]LVVFGRACAL